The following is an entry in ClinVar:

ClinVar aggregate classification (germline): Uncertain significance (1 of 4 stars; one submission).

Conditions:
Epidermodysplasia verruciformis. Identifiers: Orphanet 302, MedGen C0014522, MONDO:0009176.

Allele frequency attached by ClinVar (database versions not stated): ESP Exome Variant Server 0.00015.

Submission:

Labcorp Genetics (formerly Invitae), Labcorp
Classification: Uncertain significance for Epidermodysplasia verruciformis. Last evaluated: 2022-03-03. Review status: criteria provided, single submitter. Criteria: Invitae Variant Classification Sherloc (09022015). Collection method: clinical testing. Allele origin: germline.
Comment: This sequence change replaces valine, which is neutral and non-polar, with leucine, which is neutral and non-polar, at codon 131 of the TMC8 protein (p.Val131Leu). This variant is present in population databases (rs144981818, gnomAD 0.003%). This variant has not been reported in the literature in individuals affected with TMC8-related conditions. Algorithms developed to predict the effect of missense changes on protein structure and function are either unavailable or do not agree on the potential impact of this missense change (SIFT: "Deleterious"; PolyPhen-2: "Benign"; Align-GVGD: "Class C0"). In summary, the available evidence is currently insufficient to determine the role of this variant in disease. Therefore, it has been classified as a Variant of Uncertain Significance.

NM_152468.5(TMC8):c.391G>C (p.Val131Leu)

Genes: TMC8 (transmembrane channel like 8; plus strand), LOC130061793 (ATAC-STARR-seq lymphoblastoid silent region 9044; plus strand). Cytogenetic location: 17q25.3.
Variant type: single nucleotide variant.
Coding change: c.391G>C on transcript NM_152468.5 (MANE Select); coding-DNA position 391, G replaced by C.
Protein change: p.Val131Leu; replaces valine 131 with leucine.
Molecular consequence: missense variant.
Genome position (GRCh38, 1-based): chr17:78,132,451, G>C. VCF-style: chr17-78132451-G-C. GRCh37 (hg19) VCF-style: chr17-76128532-G-C.
Other names: short protein forms V131L.
Identifiers: ClinVar variation 1504803 (VCV001504803.5), dbSNP rs144981818, ClinGen allele CA8796427.